The following is an entry in ClinVar:

NM_000154.2(GALK1):c.592dup (p.Ala198fs)

Gene: GALK1 (galactokinase 1; minus strand). Cytogenetic location: 17q25.1.
Variant type: Duplication.
Coding change: c.592dup on transcript NM_000154.2 (MANE Select); coding-DNA position 592, one base duplicated (G; older notation c.592dupG).
Protein change: p.Ala198fs; shifts the reading frame from alanine 198.
Molecular consequence: frameshift variant.
Genome position (GRCh38, 1-based): chr17:75,763,033, C duplicated on the plus strand (G on the coding strand, the reverse complement: GALK1 is on the minus strand). VCF-style (leftmost placement, unchanged base first): chr17-75763032-G-GC. GRCh37 (hg19) VCF-style: chr17-73759113-G-GC.
Other names: c.592dup, p.Ala198fs (NM_001381985.1); short protein forms A198fs.
Identifiers: ClinVar variation 5012160 (VCV005012160.1).

ClinVar aggregate classification (germline): Pathogenic (1 of 4 stars; one submission).

Conditions:
Deficiency of galactokinase. Also called: GALACTOSEMIA II; Galactokinase deficiency with cataracts. Identifiers: Orphanet 352, Orphanet 79237, MedGen C0268155, MONDO:0009255, OMIM 230200.

Submission:

Myriad Genetics, Inc.
Classification: Pathogenic for Deficiency of galactokinase. Last evaluated: 2023-09-27. Review status: criteria provided, single submitter. Criteria: Myriad Autosomal Dominant, Autosomal Recessive and X-Linked Classification Criteria (2023). Collection method: clinical testing. Allele origin: unknown.
Comment: NM_000154.1(GALK1):c.592dupG(A198Gfs*5) is expected to be pathogenic in the context of galactokinase deficiency. This variant is predicted to lead to an abnormal or absent protein product due to the creation of a premature termination codon in GALK1, a gene where loss-of-function variants are known to be pathogenic. Please note: this variant was assessed in the context of healthy population screening.